The following is an entry in ClinVar:

NM_001492.6(GDF1):c.251G>A (p.Gly84Glu)

Genes: CERS1 (ceramide synthase 1; minus strand), GDF1 (growth differentiation factor 1; minus strand). Cytogenetic location: 19p13.11.
Variant type: single nucleotide variant.
Coding change: c.251G>A on transcript NM_001492.6 (MANE Select); coding-DNA position 251, G replaced by A.
Protein change: p.Gly84Glu; replaces glycine 84 with glutamic acid.
Molecular consequence: missense variant. On other transcripts: 3 prime UTR variant (2).
Genome position (GRCh38, 1-based): chr19:18,870,057, C>T on the plus strand (G>A on the coding strand, the complement: GDF1 is on the minus strand). VCF-style: chr19-18870057-C-T. GRCh37 (hg19) VCF-style: chr19-18980866-C-T.
Other names: c.*520G>A (NM_001387440.1, NM_021267.5); c.251G>A, p.Gly84Glu (NM_001387438.1); short protein forms G84E.
Identifiers: ClinVar variation 1482032 (VCV001482032.6), dbSNP rs941846448, ClinGen allele CA404863653.

ClinVar aggregate classification (germline): Uncertain significance (1 of 4 stars; one submission).

Submission:

Labcorp Genetics (formerly Invitae), Labcorp
Classification: Uncertain significance. Last evaluated: 2024-10-22. Review status: criteria provided, single submitter. Criteria: Invitae Variant Classification Sherloc (09022015). Collection method: clinical testing. Allele origin: germline.
Comment: This sequence change replaces glycine, which is neutral and non-polar, with glutamic acid, which is acidic and polar, at codon 84 of the GDF1 protein (p.Gly84Glu). This variant is not present in population databases (gnomAD no frequency). This variant has not been reported in the literature in individuals affected with GDF1-related conditions. ClinVar contains an entry for this variant (Variation ID: 1482032). An algorithm developed to predict the effect of missense changes on protein structure and function (PolyPhen-2) suggests that this variant is likely to be tolerated. In summary, the available evidence is currently insufficient to determine the role of this variant in disease. Therefore, it has been classified as a Variant of Uncertain Significance.